The following is an entry in ClinVar:

NM_001130438.3(SPTAN1):c.4739A>C (p.Lys1580Thr)

Gene: SPTAN1 (spectrin alpha, non-erythrocytic 1; plus strand). Cytogenetic location: 9q34.11.
Variant type: single nucleotide variant.
Coding change: c.4739A>C on transcript NM_001130438.3 (MANE Select); coding-DNA position 4739, A replaced by C.
Protein change: p.Lys1580Thr; replaces lysine 1580 with threonine.
Molecular consequence: missense variant.
Genome position (GRCh38, 1-based): chr9:128,609,265, A>C. VCF-style: chr9-128609265-A-C. GRCh37 (hg19) VCF-style: chr9-131371544-A-C.
Other names: c.4679A>C, p.Lys1560Thr (NM_001195532.2, NM_001363765.2, NM_001375314.2 and 3 more transcripts); c.4739A>C, p.Lys1580Thr (NM_001363759.2, NM_001375310.1, NM_001375311.2 and 4 more transcripts); c.4775A>C, p.Lys1592Thr (NM_001375312.2, NM_001375318.1, NM_001438440.1); short protein forms K1560T, K1580T, K1592T.
Identifiers: ClinVar variation 4797838 (VCV004797838.1).

ClinVar aggregate classification (germline): Uncertain significance (1 of 4 stars; one submission).

Conditions:
Early-infantile DEE. Also called: Ohtahara syndrome; Early infantile epileptic encephalopathy; Early infantile epileptic encephalopathy with suppression bursts. Identifiers: Orphanet 1934, MedGen C0393706, MONDO:0800491.

gnomAD v4.1: 21 of 1,614,150 alleles (0.0013%); no homozygotes.

Submission:

Labcorp Genetics (formerly Invitae), Labcorp
Classification: Uncertain significance for Early-infantile DEE. Last evaluated: 2026-01-19. Review status: criteria provided, single submitter. Criteria: Invitae Variant Classification Sherloc (09022015). Collection method: clinical testing. Allele origin: germline.
Comment: This sequence change replaces lysine, which is basic and polar, with threonine, which is neutral and polar, at codon 1580 of the SPTAN1 protein (p.Lys1580Thr). This variant is present in population databases (rs745319868, gnomAD 0.02%). This variant has not been reported in the literature in individuals affected with SPTAN1-related conditions. Invitae Evidence Modeling of protein sequence and biophysical properties (such as structural, functional, and spatial information, amino acid conservation, physicochemical variation, residue mobility, and thermodynamic stability) has been performed for this missense variant. However, the output from this modeling did not meet the statistical confidence thresholds required to predict the impact of this variant on SPTAN1 protein function. In summary, the available evidence is currently insufficient to determine the role of this variant in disease. Therefore, it has been classified as a Variant of Uncertain Significance.